The following is an entry in ClinVar:

ClinVar aggregate classification (germline): Uncertain significance. Review status: reviewed by expert panel (3 of 4 stars). 3 submissions from 3 submitters: Uncertain significance (1). 2 of the submissions do not count toward it. Last evaluated 2024-07-29.

Conditions:
T-cell immunodeficiency, congenital alopecia, and nail dystrophy. Also called: Congenital alopecia and nail dystrophy associated with severe functional T-cell immunodeficiency; Pignata Guarino syndrome. Identifiers: Orphanet 169095, MedGen C1866426, MONDO:0011132, OMIM 601705.

Allele frequency attached by ClinVar (database versions not stated): gnomAD exomes 0.00002 and 0.00004; ExAC 0.00005; gnomAD 0.00006 and 0.00011; ESP Exome Variant Server 0.00008; TOPMed 0.00014; 1000 Genomes Project 0.00140; 1000 Genomes Project 30x 0.00141.
gnomAD v4.1: 41 of 1,612,926 alleles (0.0025%); highest among the groups gnomAD compares: Admixed American, 0.027%; no homozygotes.

Submissions (3):

ClinGen Severe Combined Immunodeficiency Variant Curation Expert Panel, ClinGen
Classification: Uncertain significance for T-cell immunodeficiency, congenital alopecia, and nail dystrophy. Last evaluated: 2024-07-29. Review status: reviewed by expert panel. Criteria: ClinGen SCID ACMG Specifications FOXN1 V1.0.0. Collection method: curation. Allele origin: germline. Inheritance: Semidominant inheritance.
Comment: The missense variant NM_001369369.1(FOXN1):c.361G>A (p.Ala121Thr) has a gnomADv2.1.1 popmax filtering allele frequency of 0.00009547 based on the Latino/Admixed American population (7/34284 alleles), which is below the BS1 threshold of >0.00141 but above the PM2 threshold of <0.00002412. The variant has a REVEL score of 0.132, which is less than 0.290 and thus meets criteria for BP4, suggesting no effect on gene function. After a comprehensive literature search, the variant has not been identified in any individuals with T-cell immunodeficiency, congenital alopecia, and nail dystrophy. In summary, this variant meets criteria to be classified as uncertain significance for semidominant T-cell immunodeficiency, congenital alopecia, and nail dystrophy based on the ACMG/AMP criteria applied, as specified by the ClinGen SCID VCEP: BP4.

Labcorp Genetics (formerly Invitae), Labcorp
Classification: Uncertain significance for T-cell immunodeficiency, congenital alopecia, and nail dystrophy. Last evaluated: 2024-07-17. Review status: criteria provided, single submitter. Criteria: Invitae Variant Classification Sherloc (09022015). Collection method: clinical testing. Allele origin: germline. Not counted in ClinVar's aggregate classification.
Comment: This sequence change replaces alanine, which is neutral and non-polar, with threonine, which is neutral and polar, at codon 121 of the FOXN1 protein (p.Ala121Thr). This variant is present in population databases (rs182334974, gnomAD 0.02%). This variant has not been reported in the literature in individuals affected with FOXN1-related conditions. ClinVar contains an entry for this variant (Variation ID: 852208). Advanced modeling of protein sequence and biophysical properties (such as structural, functional, and spatial information, amino acid conservation, physicochemical variation, residue mobility, and thermodynamic stability) performed at Invitae indicates that this missense variant is not expected to disrupt FOXN1 protein function with a negative predictive value of 80%. In summary, the available evidence is currently insufficient to determine the role of this variant in disease. Therefore, it has been classified as a Variant of Uncertain Significance.

Laboratorio de Genetica e Diagnostico Molecular, Hospital Israelita Albert Einstein
Classification: Likely benign. Last evaluated: 2020-04-24. Review status: criteria provided, single submitter. Criteria: ACMG Guidelines, 2015. Collection method: clinical testing. Allele origin: germline. Affected: yes. Not counted in ClinVar's aggregate classification.
Comment: ACMG classification criteria: BP1, BP4

NM_001369369.1(FOXN1):c.361G>A (p.Ala121Thr)

Gene: FOXN1 (forkhead box N1; plus strand). Cytogenetic location: 17q11.2.
Variant type: single nucleotide variant.
Coding change: c.361G>A on transcript NM_001369369.1 (MANE Select); coding-DNA position 361, G replaced by A.
Protein change: p.Ala121Thr; replaces alanine 121 with threonine.
Molecular consequence: missense variant.
Genome position (GRCh38, 1-based): chr17:28,524,740, G>A. VCF-style: chr17-28524740-G-A. GRCh37 (hg19) VCF-style: chr17-26851758-G-A.
Other names: NM_001369369.1(FOXN1):c.361G>A; p.Ala121Thr; c.361G>A, p.Ala121Thr (NM_003593.3); short protein forms A121T.
Identifiers: ClinVar variation 852208 (VCV000852208.8), dbSNP rs182334974, ClinGen allele CA8459205.